The following is an entry in ClinVar:

NM_004380.3(CREBBP):c.4262G>T (p.Cys1421Phe)

Gene: CREBBP (CREB binding lysine acetyltransferase; minus strand). Cytogenetic location: 16p13.3.
Variant type: single nucleotide variant.
Coding change: c.4262G>T on transcript NM_004380.3 (MANE Select); coding-DNA position 4262, G replaced by T.
Protein change: p.Cys1421Phe; replaces cysteine 1421 with phenylalanine.
Molecular consequence: missense variant.
Genome position (GRCh38, 1-based): chr16:3,739,596, C>A on the plus strand (G>T on the coding strand, the complement: CREBBP is on the minus strand). VCF-style: chr16-3739596-C-A. GRCh37 (hg19) VCF-style: chr16-3789597-C-A.
Other names: c.4148G>T, p.Cys1383Phe (NM_001079846.1); short protein forms C1383F, C1421F.
Identifiers: ClinVar variation 973218 (VCV000973218.5), dbSNP rs200616542, ClinGen allele CA394564713.

ClinVar aggregate classification (germline): Likely pathogenic (1 of 4 stars; one submission).

Conditions:
Rubinstein-Taybi syndrome due to CREBBP mutations (RSTS1). Also called: RUBINSTEIN-TAYBI SYNDROME 1, INCOMPLETE; Rubinstein-Taybi syndrome 1; CREBBP-Related Rubinstein-Taybi Syndrome; BROAD THUMBS AND GREAT TOES, CHARACTERISTIC FACIES, AND IMPAIRED INTELLECTUAL DEVELOPMENT; BROAD THUMB-HALLUX SYNDROME; RUBINSTEIN SYNDROME. Identifiers: Orphanet 353277, Orphanet 783, MedGen C4551859, MONDO:0008393, OMIM 180849.

Submission:

Institute for Genomic Medicine (IGM) Clinical Laboratory, Nationwide Children's Hospital
Classification: Likely pathogenic for Rubinstein-Taybi syndrome due to CREBBP mutations. Last evaluated: 2018-06-28. Review status: criteria provided, single submitter. Criteria: ACMG Guidelines, 2015. Collection method: clinical testing. Allele origin: germline. Affected: yes.
Comment: [ACMG/AMP: PS2, PM1, PM2, PP3] This alteration is de novo in origin as it was not detected in the submitted parental specimens (identity confirmed) [PS2], is located in a mutational hotspot and/or critical and well-established functional domain [PM1], is absent from or rarely observed in large-scale population databases [PM2], is predicted to be damaging by multiple functional prediction tools [PP3].